The following is an entry in ClinVar:

NM_001040142.2(SCN2A):c.1852G>A (p.Gly618Arg)

Gene: SCN2A (sodium voltage-gated channel alpha subunit 2; plus strand). Cytogenetic location: 2q24.3.
Variant type: single nucleotide variant.
Coding change: c.1852G>A on transcript NM_001040142.2 (MANE Select); coding-DNA position 1852, G replaced by A.
Protein change: p.Gly618Arg; replaces glycine 618 with arginine.
Molecular consequence: missense variant.
Genome position (GRCh38, 1-based): chr2:165,323,336, G>A. VCF-style: chr2-165323336-G-A. GRCh37 (hg19) VCF-style: chr2-166179846-G-A.
Other names: c.1852G>A, p.Gly618Arg (NM_001040143.2, NM_001371246.1, NM_001371247.1 and 1 more transcripts); short protein forms G618R.
Identifiers: ClinVar variation 4975782 (VCV004975782.1).

ClinVar aggregate classification (germline): Uncertain significance (1 of 4 stars; one submission).

gnomAD v4.1: 2 of 1,614,076 alleles (0.00012%); highest among the groups gnomAD compares: Non-Finnish European, 0.00017%; no homozygotes.

Submission:

GeneDx
Classification: Uncertain significance. Last evaluated: 2026-02-24. Review status: criteria provided, single submitter. Criteria: GeneDx Variant Classification Process June 2021. Collection method: clinical testing. Allele origin: germline.
Comment: This substitution is predicted to be in the cytoplasmic loop between the first and second homologous domains; Not observed at significant frequency in large population cohorts (gnomAD); In silico analysis suggests that this missense variant does not alter protein structure/function; Has not been previously published as pathogenic or benign to our knowledge